The following is an entry in ClinVar:

ClinVar aggregate classification (germline): Uncertain significance (1 of 4 stars; one submission).

Allele frequency attached by ClinVar (database versions not stated): ExAC 0.00001; TOPMed 0.00003.

Submission:

Labcorp Genetics (formerly Invitae), Labcorp
Classification: Uncertain significance. Last evaluated: 2024-01-18. Review status: criteria provided, single submitter. Criteria: Invitae Variant Classification Sherloc (09022015). Collection method: clinical testing. Allele origin: germline.
Comment: This sequence change falls in intron 13 of the PRPF8 gene. It does not directly change the encoded amino acid sequence of the PRPF8 protein. This variant is present in population databases (rs761657320, gnomAD 0.008%). This variant has not been reported in the literature in individuals affected with PRPF8-related conditions. ClinVar contains an entry for this variant (Variation ID: 1935077). Algorithms developed to predict the effect of sequence changes on RNA splicing suggest that this variant may disrupt the consensus splice site. In summary, the available evidence is currently insufficient to determine the role of this variant in disease. Therefore, it has been classified as a Variant of Uncertain Significance.

NM_006445.4(PRPF8):c.1855-5C>A

Gene: PRPF8 (pre-mRNA processing factor 8; minus strand). Cytogenetic location: 17p13.3.
Variant type: single nucleotide variant.
Coding change: c.1855-5C>A on transcript NM_006445.4 (MANE Select); 5 bases into the intron before coding-DNA position 1855, C replaced by A.
Molecular consequence: intron variant.
Genome position (GRCh38, 1-based): chr17:1,677,699, G>T on the plus strand (C>A on the coding strand, the complement: PRPF8 is on the minus strand). VCF-style: chr17-1677699-G-T. GRCh37 (hg19) VCF-style: chr17-1580993-G-T.
Identifiers: ClinVar variation 1935077 (VCV001935077.5), dbSNP rs761657320, ClinGen allele CA8272232.